The following is an entry in ClinVar:

ClinVar aggregate classification (germline): Uncertain significance. Review status: criteria provided, multiple submitters, no conflicts (2 of 4 stars). 2 submissions from 2 submitters: Uncertain significance (2). Last evaluated 2025-12-11.

Allele frequency attached by ClinVar (database versions not stated): TOPMed 0.00004; gnomAD 0.00008; 1000 Genomes Project 0.00060; 1000 Genomes Project 30x 0.00062.
gnomAD v4.1: 99 of 1,613,088 alleles (0.0061%); highest among the groups gnomAD compares: South Asian, 0.064%; 1 homozygote.

Submissions (2):

Ambry Genetics
Classification: Uncertain significance. Last evaluated: 2025-12-11. Review status: criteria provided, single submitter. Criteria: Ambry Variant Classification Scheme 2023. Collection method: clinical testing. Allele origin: germline.

Labcorp Genetics (formerly Invitae), Labcorp
Classification: Uncertain significance. Last evaluated: 2025-11-02. Review status: criteria provided, single submitter. Criteria: Invitae Variant Classification Sherloc (09022015). Collection method: clinical testing. Allele origin: germline.
Comment: This sequence change replaces arginine, which is basic and polar, with tryptophan, which is neutral and slightly polar, at codon 2774 of the FBN3 protein (p.Arg2774Trp). This variant is present in population databases (rs200422303, gnomAD 0.07%), and has an allele count higher than expected for a pathogenic variant. This variant has not been reported in the literature in individuals affected with FBN3-related conditions. ClinVar contains an entry for this variant (Variation ID: 2591289). Invitae Evidence Modeling of protein sequence and biophysical properties (such as structural, functional, and spatial information, amino acid conservation, physicochemical variation, residue mobility, and thermodynamic stability) indicates that this missense variant is not expected to disrupt FBN3 protein function with a negative predictive value of 80%. In summary, the available evidence is currently insufficient to determine the role of this variant in disease. Therefore, it has been classified as a Variant of Uncertain Significance.

NM_032447.5(FBN3):c.8320C>T (p.Arg2774Trp)

Gene: FBN3 (fibrillin 3; minus strand). Cytogenetic location: 19p13.2.
Variant type: single nucleotide variant.
Coding change: c.8320C>T on transcript NM_032447.5 (MANE Select); coding-DNA position 8320, C replaced by T.
Protein change: p.Arg2774Trp; replaces arginine 2774 with tryptophan.
Molecular consequence: missense variant.
Genome position (GRCh38, 1-based): chr19:8,066,029, G>A on the plus strand (C>T on the coding strand, the complement: FBN3 is on the minus strand). VCF-style: chr19-8066029-G-A. GRCh37 (hg19) VCF-style: chr19-8130913-G-A.
Other names: c.8320C>T, p.Arg2774Trp (NM_001321431.2); short protein forms R2774W.
Identifiers: ClinVar variation 2591289 (VCV002591289.4), dbSNP rs200422303, ClinGen allele CA9150565.